The following is an entry in ClinVar:

NM_000260.4(MYO7A):c.1246G>A (p.Ala416Thr)

Gene: MYO7A (myosin VIIA; plus strand). Cytogenetic location: 11q13.5.
Variant type: single nucleotide variant.
Coding change: c.1246G>A on transcript NM_000260.4 (MANE Select); coding-DNA position 1246, G replaced by A.
Protein change: p.Ala416Thr; replaces alanine 416 with threonine.
Molecular consequence: missense variant.
Genome position (GRCh38, 1-based): chr11:77,161,018, G>A. VCF-style: chr11-77161018-G-A. GRCh37 (hg19) VCF-style: chr11-76872064-G-A.
Other names: c.1246G>A, p.Ala416Thr (NM_001127180.2); c.1213G>A, p.Ala405Thr (NM_001369365.1); short protein forms A405T, A416T.
Identifiers: ClinVar variation 3727883 (VCV003727883.2).
Genomic context (GRCh38, chr11:77,161,018, plus strand): 5'-ATCACTGCCTTTCAGGGGATCTACGGGCGGCTGTTCGTGTGGATTGTGGACAAGATCAAC[G>A]CAGCAATTTACAAGCCTCCCTCCCAGGATGTGAAGAACTCTCGCAGGTCCATCGGCCTCC-3'
Protein context (NP_000251.3, residues 406-426): LFVWIVDKIN[Ala416Thr]AIYKPPSQDV

ClinVar aggregate classification (germline): Uncertain significance (1 of 4 stars; one submission).

gnomAD v4.1: 9 of 1,612,968 alleles (0.00056%); highest among the groups gnomAD compares: African/African-American, 0.008%; no homozygotes.

Submission:

Labcorp Genetics (formerly Invitae), Labcorp
Classification: Uncertain significance. Last evaluated: 2025-01-29. Review status: criteria provided, single submitter. Criteria: Invitae Variant Classification Sherloc (09022015). Collection method: clinical testing. Allele origin: germline.
Comment: This sequence change replaces alanine, which is neutral and non-polar, with threonine, which is neutral and polar, at codon 416 of the MYO7A protein (p.Ala416Thr). This variant is present in population databases (rs373894293, gnomAD 0.004%). This variant has not been reported in the literature in individuals affected with MYO7A-related conditions. Invitae Evidence Modeling of protein sequence and biophysical properties (such as structural, functional, and spatial information, amino acid conservation, physicochemical variation, residue mobility, and thermodynamic stability) indicates that this missense variant is not expected to disrupt MYO7A protein function with a negative predictive value of 95%. In summary, the available evidence is currently insufficient to determine the role of this variant in disease. Therefore, it has been classified as a Variant of Uncertain Significance.